The following is an entry in ClinVar:

ClinVar aggregate classification (germline): Uncertain significance (1 of 4 stars; one submission).

Conditions:
Microphthalmia with brain and digit anomalies (MCOPS6). Also called: MICROPHTHALMIA AND PITUITARY ANOMALIES; Microphthalmia, syndromic 6. Identifiers: Orphanet 139471, MedGen C1864689, MONDO:0011936, OMIM 607932.
Orofacial cleft 11 (OFC11). Also called: Orofacial cleft 11; ofc11; CLEFT LIP WITH OR WITHOUT CLEFT PALATE, NONSYNDROMIC, 11. Identifiers: MedGen C2677434, MONDO:0010906, OMIM 600625.

Allele frequency attached by ClinVar (database versions not stated): gnomAD exomes below 0.00001; ExAC 0.00001.
gnomAD v4.1: 3 of 1,599,562 alleles (0.00019%); highest among the groups gnomAD compares: African/African-American, 0.004%; no homozygotes.

Submission:

Labcorp Genetics (formerly Invitae), Labcorp
Classification: Uncertain significance for Microphthalmia with brain and digit anomalies; Orofacial cleft 11. Last evaluated: 2017-08-23. Review status: criteria provided, single submitter. Criteria: Invitae Variant Classification Sherloc (09022015). Collection method: clinical testing. Allele origin: germline.
Comment: In summary, the available evidence is currently insufficient to determine the role of this variant in disease. Therefore, it has been classified as a Variant of Uncertain Significance. Algorithms developed to predict the effect of missense changes on protein structure and function do not agree on the potential impact of this missense change (SIFT: "Tolerated"; PolyPhen-2: "Possibly Damaging"; Align-GVGD: "Class C15"). This variant has not been reported in the literature in individuals with BMP4-related disease. This variant is present in population databases (rs754308298, ExAC 0.002%). This sequence change replaces histidine with tyrosine at codon 121 of the BMP4 protein (p.His121Tyr). The histidine residue is highly conserved and there is a moderate physicochemical difference between histidine and tyrosine.

NM_001202.6(BMP4):c.361C>T (p.His121Tyr)

Gene: BMP4 (bone morphogenetic protein 4; minus strand). Cytogenetic location: 14q22.2.
Variant type: single nucleotide variant.
Coding change: c.361C>T on transcript NM_001202.6 (MANE Select); coding-DNA position 361, C replaced by T.
Protein change: p.His121Tyr; replaces histidine 121 with tyrosine.
Molecular consequence: missense variant.
Genome position (GRCh38, 1-based): chr14:53,951,862, G>A on the plus strand (C>T on the coding strand, the complement: BMP4 is on the minus strand). VCF-style: chr14-53951862-G-A. GRCh37 (hg19) VCF-style: chr14-54418580-G-A.
Other names: c.502C>T, p.His168Tyr (NM_001347912.1); c.172C>T, p.His58Tyr (NM_001347913.2, NM_001347915.2, NM_001347917.1); c.361C>T, p.His121Tyr (NM_001347914.2, NM_001347916.1, NM_130850.5 and 1 more transcripts); short protein forms H121Y, H168Y, H58Y.
Identifiers: ClinVar variation 536258 (VCV000536258.8), dbSNP rs754308298, ClinGen allele CA7191781.